The following is an entry in ClinVar:

ClinVar aggregate classification (germline): Likely benign. Review status: criteria provided, multiple submitters, no conflicts (2 of 4 stars). 3 submissions from 3 submitters: Likely benign (3). Last evaluated 2021-02-03.

Conditions:
Bartter disease type 2. Also called: HYPERPROSTAGLANDIN E SYNDROME 2; Bartter syndrome, type 2, antenatal; HYPOKALEMIC ALKALOSIS WITH HYPERCALCIURIA 2, ANTENATAL. Identifiers: Orphanet 112, Orphanet 620220, MedGen C1855849, MONDO:0009424, OMIM 241200.

Allele frequency attached by ClinVar (database versions not stated): 1000 Genomes Project 0.00200; 1000 Genomes Project 30x 0.00219; TOPMed 0.00417; gnomAD exomes 0.00545 and 0.00736; gnomAD 0.00550 and 0.00566; ExAC 0.00579; ESP Exome Variant Server 0.00616.
gnomAD v4.1: 11,455 of 1,610,408 alleles (0.71%); highest among the groups gnomAD compares: Non-Finnish European, 0.84%; 67 homozygotes.

Submissions (4):

GeneDx
Classification: Likely benign. Last evaluated: 2021-02-03. Review status: criteria provided, single submitter. Criteria: GeneDx Variant Classification Process June 2021. Collection method: clinical testing. Allele origin: germline. Affected: yes.

Illumina Laboratory Services, Illumina
Classification: Likely benign for Bartter disease type 2. Last evaluated: 2018-01-13. Review status: criteria provided, single submitter. Criteria: ICSL Variant Classification Criteria 13 December 2019. Collection method: clinical testing. Allele origin: germline.
Comment: This variant was observed in the ICSL laboratory as part of a predisposition screen in an ostensibly healthy population. It had not been previously curated by ICSL or reported in the Human Gene Mutation Database (HGMD: prior to June 1st, 2018), and was therefore a candidate for classification through an automated scoring system. Utilizing variant allele frequency, disease prevalence and penetrance estimates, and inheritance mode, an automated score was calculated to assess if this variant is too frequent to cause the disease. Based on the score and internal cut-off values, a variant classified as likely benign is not then subjected to further curation. The score for this variant resulted in a classification of likely benign for this disease.

Breakthrough Genomics
Classification: Likely benign. Review status: criteria provided, single submitter. Criteria: ACMG Guidelines, 2015. Collection method: not provided. Allele origin: germline. Inheritance: Autosomal recessive inheritance. Affected: yes.

Dr. Peter K. Rogan Lab, Western University
No classification provided (evidence only). Condition: Sarcoma. Review status: no classification provided. Collection method: in vitro. Allele origin: not applicable. Functional consequence: retained intron. Not counted in ClinVar's aggregate classification.

NM_153766.3(KCNJ1):c.*16G>A

Gene: KCNJ1 (potassium inwardly rectifying channel subfamily J member 1; minus strand). Cytogenetic location: 11q24.3.
Variant type: single nucleotide variant.
Coding change: c.*16G>A on transcript NM_153766.3 (MANE Select); 16 bases downstream of the stop codon, G replaced by A.
Molecular consequence: 3 prime UTR variant.
Genome position (GRCh38, 1-based): chr11:128,839,109, C>T on the plus strand (G>A on the coding strand, the complement: KCNJ1 is on the minus strand). VCF-style: chr11-128839109-C-T. GRCh37 (hg19) VCF-style: chr11-128709004-C-T.
Other names: NC_000011.9:g.128709004C>T; c.*16G>A (NM_153764.3, NM_153765.3, NM_153767.4 and 1 more transcripts).
Identifiers: ClinVar variation 303568 (VCV000303568.9), dbSNP rs3181542, ClinGen allele CA6357371.